The following is an entry in ClinVar:

NM_020937.4(FANCM):c.900C>G (p.Ile300Met)

Gene: FANCM (FA complementation group M; plus strand). Cytogenetic location: 14q21.2.
Variant type: single nucleotide variant.
Coding change: c.900C>G on transcript NM_020937.4 (MANE Select); coding-DNA position 900, C replaced by G.
Protein change: p.Ile300Met; replaces isoleucine 300 with methionine.
Molecular consequence: missense variant.
Genome position (GRCh38, 1-based): chr14:45,148,977, C>G. VCF-style: chr14-45148977-C-G. GRCh37 (hg19) VCF-style: chr14-45618180-C-G.
Other names: c.822C>G, p.Ile274Met (NM_001308133.2); c.900C>G, p.Ile300Met (NM_001308134.2); short protein forms I274M, I300M.
Identifiers: ClinVar variation 4826027 (VCV004826027.1).

ClinVar aggregate classification (germline): Uncertain significance (1 of 4 stars; one submission).

Conditions:
Inborn genetic diseases. Identifiers: MedGen C0950123, MeSH D030342.

Submission:

Ambry Genetics
Classification: Uncertain significance for Inborn genetic diseases. Last evaluated: 2026-03-12. Review status: criteria provided, single submitter. Criteria: Ambry Variant Classification Scheme 2023. Collection method: clinical testing. Allele origin: germline.
Comment: The p.I300M variant (also known as c.900C>G), located in coding exon 4 of the FANCM gene, results from a C to G substitution at nucleotide position 900. The isoleucine at codon 300 is replaced by methionine, an amino acid with highly similar properties. This amino acid position is conserved. In addition, this alteration is predicted to be tolerated by in silico analysis. Based on the available evidence, the clinical significance of this variant remains unclear.